The following is an entry in ClinVar:

ClinVar aggregate classification (germline): Uncertain significance (1 of 4 stars; one submission).

Conditions:
KMT2D-related disorder. Also called: KMT2D-Related Disorders.

Submission:

PreventionGenetics, part of Exact Sciences
Classification: Uncertain significance for KMT2D-related condition. Last evaluated: 2025-10-01. Review status: criteria provided, single submitter. Criteria: ACMG Guidelines, 2015. Collection method: clinical testing. Allele origin: germline.
Comment: The KMT2D c.6498G>C variant is predicted to result in the amino acid substitution p.Gln2166His. To our knowledge, this variant has not been reported in the literature or in a large population database (gnomAD), indicating this variant is rare. At this time, the clinical significance of this variant is uncertain due to the absence of conclusive functional and genetic evidence.

NM_003482.4(KMT2D):c.6498G>C (p.Gln2166His)

Gene: KMT2D (lysine methyltransferase 2D; minus strand). Cytogenetic location: 12q13.12.
Variant type: single nucleotide variant.
Coding change: c.6498G>C on transcript NM_003482.4 (MANE Select); coding-DNA position 6498, G replaced by C.
Protein change: p.Gln2166His; replaces glutamine 2166 with histidine.
Molecular consequence: missense variant.
Genome position (GRCh38, 1-based): chr12:49,041,272, C>G on the plus strand (G>C on the coding strand, the complement: KMT2D is on the minus strand). VCF-style: chr12-49041272-C-G. GRCh37 (hg19) VCF-style: chr12-49435055-C-G.
Other names: short protein forms Q2166H.
Identifiers: ClinVar variation 5001388 (VCV005001388.1).
Genomic context (GRCh38, chr12:49,041,272, plus strand): 5'-CTCCAGGGGATAGGCAGGGGCCAGTCCAAAGGGGTCCTGCGAAGGCACTTGGGCGGGCAC[C>G]TGGGGTGGGAGCTTGAGGAAGAGCTCACCAGGCGAGTCAGGGCCAGGCACCGAGCCCGCC-3'
Protein context (NP_003473.3, residues 2156-2176): PGELFLKLPP[Gln2166His]VPAQVPSQDP